The following is an entry in ClinVar:

NM_001353214.3(DYM):c.1970G>A (p.Arg657Gln)

Gene: DYM (dymeclin; minus strand). Cytogenetic location: 18q21.1.
Variant type: single nucleotide variant.
Coding change: c.1970G>A on transcript NM_001353214.3 (MANE Select); coding-DNA position 1970, G replaced by A.
Protein change: p.Arg657Gln; replaces arginine 657 with glutamine.
Molecular consequence: missense variant. On other transcripts: intron variant (3).
Genome position (GRCh38, 1-based): chr18:49,097,457, C>T on the plus strand (G>A on the coding strand, the complement: DYM is on the minus strand). VCF-style: chr18-49097457-C-T. GRCh37 (hg19) VCF-style: chr18-46623827-C-T.
Other names: c.1967G>A, p.Arg656Gln (NM_001353212.3, NM_001353213.3); c.1787G>A, p.Arg596Gln (NM_001353215.3); c.1622G>A, p.Arg541Gln (NM_001353216.3, NM_001374437.1); c.1970G>A, p.Arg657Gln (NM_001374428.1, NM_001374430.1); c.1964G>A, p.Arg655Gln (NM_001374429.1); c.1844G>A, p.Arg615Gln (NM_001374432.1); c.1805G>A, p.Arg602Gln (NM_001374433.1, NM_017653.6); c.1679G>A, p.Arg560Gln (NM_001374436.1); and 12 more; short protein forms R351Q, R411Q, R412Q, R601Q, R657Q, R539Q, R540Q, R602Q.
Identifiers: ClinVar variation 1425774 (VCV001425774.7), dbSNP rs1432375693, ClinGen allele CA402507782.

ClinVar aggregate classification (germline): Uncertain significance. Review status: criteria provided, multiple submitters, no conflicts (2 of 4 stars). 2 submissions from 2 submitters: Uncertain significance (2). Last evaluated 2025-10-13.

Conditions:
DYM-related disorder. Also called: DYM-related condition.

Allele frequency attached by ClinVar (database versions not stated): gnomAD exomes below 0.00001.
gnomAD v4.1: 6 of 1,614,022 alleles (0.00037%); highest among the groups gnomAD compares: South Asian, 0.0011%; 1 homozygote.

Submissions (2):

PreventionGenetics, part of Exact Sciences
Classification: Uncertain significance for DYM-related condition. Last evaluated: 2025-10-13. Review status: criteria provided, single submitter. Criteria: ACMG Guidelines, 2015. Collection method: clinical testing. Allele origin: germline.
Comment: The DYM c.1805G>A variant is predicted to result in the amino acid substitution p.Arg602Gln. To our knowledge, this variant has not been reported in the literature. This variant is reported in 0.00088% of alleles in individuals of European (Non-Finnish) descent in gnomAD. At this time, the clinical significance of this variant is uncertain due to the absence of conclusive functional and genetic evidence.

Labcorp Genetics (formerly Invitae), Labcorp
Classification: Uncertain significance. Last evaluated: 2023-05-15. Review status: criteria provided, single submitter. Criteria: Invitae Variant Classification Sherloc (09022015). Collection method: clinical testing. Allele origin: germline.
Comment: This sequence change replaces arginine, which is basic and polar, with glutamine, which is neutral and polar, at codon 602 of the DYM protein (p.Arg602Gln). This variant is present in population databases (no rsID available, gnomAD 0.0009%). This variant has not been reported in the literature in individuals affected with DYM-related conditions. ClinVar contains an entry for this variant (Variation ID: 1425774). Advanced modeling of protein sequence and biophysical properties (such as structural, functional, and spatial information, amino acid conservation, physicochemical variation, residue mobility, and thermodynamic stability) performed at Invitae indicates that this missense variant is not expected to disrupt DYM protein function. In summary, the available evidence is currently insufficient to determine the role of this variant in disease. Therefore, it has been classified as a Variant of Uncertain Significance.